The following is an entry in ClinVar:

NC_000013.11:g.52011797C>T

Genes: ATP7B (ATPase copper transporting beta; minus strand), LOC130009838 (ATAC-STARR-seq lymphoblastoid silent region 5378; plus strand). Cytogenetic location: 13q14.3.
Variant type: single nucleotide variant.
Genome position: GRCh38 VCF-style: chr13-52011797-C-T. GRCh37 (hg19) VCF-style: chr13-52585933-C-T.
Identifiers: ClinVar variation 1370342 (VCV001370342.6), dbSNP rs2140784828, ClinGen allele CA2573149714.

ClinVar aggregate classification (germline): Uncertain significance. Review status: criteria provided, multiple submitters, no conflicts (2 of 4 stars). 2 submissions from 2 submitters: Uncertain significance (2). Last evaluated 2026-07-01.

Conditions:
Wilson disease (WND). Also called: Wilson's disease. Identifiers: Orphanet 905, MedGen C0019202, MONDO:0010200, OMIM 277900. Disease mechanism: loss of function.

Submissions (2):

CeGaT Center for Human Genetics Tuebingen
Classification: Uncertain significance. Last evaluated: 2026-07-01. Review status: criteria provided, single submitter. Criteria: CeGaT Center For Human Genetics Tuebingen Variant Classification Criteria Version 2. Collection method: clinical testing. Allele origin: germline. Affected: yes. Observed: 1 variant allele.
Comment: ATP7B: PM2, PM3:Supporting, PP4, PS3:Supporting

Labcorp Genetics (formerly Invitae), Labcorp
Classification: Uncertain significance for Wilson disease. Last evaluated: 2021-08-13. Review status: criteria provided, single submitter. Criteria: Invitae Variant Classification Sherloc (09022015). Collection method: clinical testing. Allele origin: germline.
Comment: This variant occurs in a non-coding region of the ATP7B gene. It does not change the encoded amino acid sequence of the ATP7B protein. This variant has been observed in individual(s) with Wilson disease (PMID: 24094725). In at least one individual the data is consistent with the variant being in trans (on the opposite chromosome) from a pathogenic variant. Algorithms developed to predict the effect of variants on protein structure and function are not available or were not evaluated for this variant. Experimental studies have shown that this variant affects ATP7B function (PMID: 24094725). In summary, the available evidence is currently insufficient to determine the role of this variant in disease. Therefore, it has been classified as a Variant of Uncertain Significance.

Literature cited by the submitters: PubMed 24094725 (cited by Labcorp Genetics (formerly Invitae), Labcorp).